The following is an entry in ClinVar:

NM_001371986.1(UNC80):c.8380G>C (p.Asp2794His)

Gene: UNC80 (unc-80 subunit of NALCN channel complex; plus strand). Cytogenetic location: 2q34.
Variant type: single nucleotide variant.
Coding change: c.8380G>C on transcript NM_001371986.1 (MANE Select); coding-DNA position 8380, G replaced by C.
Protein change: p.Asp2794His; replaces aspartic acid 2794 with histidine.
Molecular consequence: missense variant.
Genome position (GRCh38, 1-based): chr2:209,972,324, G>C. VCF-style: chr2-209972324-G-C. GRCh37 (hg19) VCF-style: chr2-210837048-G-C.
Other names: c.8182G>C, p.Asp2728His (NM_032504.2); c.8167G>C, p.Asp2723His (NM_182587.4); short protein forms D2723H, D2728H, D2794H.
Identifiers: ClinVar variation 1472663 (VCV001472663.8), dbSNP rs2125013237, ClinGen allele CA350413086.
Genomic context (GRCh38, chr2:209,972,324, plus strand): 5'-GAGGGGATGCTTTTAAATCTGCTCATCCCATTTGTGCTCACAGTAGGATCTGGAAGCAAA[G>C]GTCTGATTAATTTAACTAAAGGAAATTTATCATTGTTGTTGTGTTCTCTTAAATGTCAGG-3'
Protein context (NP_001358915.1, residues 2784-2804): FVLTVGSGSK[Asp2794His]SPWLEQPEVQ

ClinVar aggregate classification (germline): Uncertain significance (1 of 4 stars; one submission).

Submission:

Labcorp Genetics (formerly Invitae), Labcorp
Classification: Uncertain significance. Last evaluated: 2022-08-16. Review status: criteria provided, single submitter. Criteria: Invitae Variant Classification Sherloc (09022015). Collection method: clinical testing. Allele origin: germline.
Comment: In summary, the available evidence is currently insufficient to determine the role of this variant in disease. Therefore, it has been classified as a Variant of Uncertain Significance. Variants that disrupt the consensus splice site are a relatively common cause of aberrant splicing (PMID: 17576681, 9536098). Algorithms developed to predict the effect of sequence changes on RNA splicing suggest that this variant may disrupt the consensus splice site. Algorithms developed to predict the effect of missense changes on protein structure and function are either unavailable or do not agree on the potential impact of this missense change (SIFT: "Not Available"; PolyPhen-2: "Probably Damaging"; Align-GVGD: "Not Available"). ClinVar contains an entry for this variant (Variation ID: 1472663). This variant has not been reported in the literature in individuals affected with UNC80-related conditions. This variant is not present in population databases (gnomAD no frequency). This sequence change replaces aspartic acid, which is acidic and polar, with histidine, which is basic and polar, at codon 2728 of the UNC80 protein (p.Asp2728His). This variant also falls at the last nucleotide of exon 54, which is part of the consensus splice site for this exon.

Literature cited by the submitters: PubMed 17576681; PubMed 9536098.